The following is an entry in ClinVar:

ClinVar aggregate classification (germline): Uncertain significance (1 of 4 stars; one submission).

Allele frequency attached by ClinVar (database versions not stated): gnomAD exomes below 0.00001; ExAC 0.00001; TOPMed 0.00001.
gnomAD v4.1: 4 of 1,612,710 alleles (0.00025%); highest among the groups gnomAD compares: Non-Finnish European, 0.00034%; no homozygotes.

Submission:

Labcorp Genetics (formerly Invitae), Labcorp
Classification: Uncertain significance. Last evaluated: 2025-07-29. Review status: criteria provided, single submitter. Criteria: Invitae Variant Classification Sherloc (09022015). Collection method: clinical testing. Allele origin: germline.
Comment: This sequence change falls in intron 7 of the TNFRSF11A gene. It does not directly change the encoded amino acid sequence of the TNFRSF11A protein. It affects a nucleotide within the consensus splice site. This variant is present in population databases (rs765068128, gnomAD 0.0009%). This variant has not been reported in the literature in individuals affected with TNFRSF11A-related conditions. ClinVar contains an entry for this variant (Variation ID: 2882364). Variants that disrupt the consensus splice site are a relatively common cause of aberrant splicing (PMID: 17576681, 9536098). Algorithms developed to predict the effect of sequence changes on RNA splicing suggest that this variant is not likely to affect RNA splicing. In summary, the available evidence is currently insufficient to determine the role of this variant in disease. Therefore, it has been classified as a Variant of Uncertain Significance.

Literature cited by the submitters: PubMed 17576681; PubMed 9536098.

NM_003839.4(TNFRSF11A):c.730+5T>C

Gene: TNFRSF11A (TNF receptor superfamily member 11a; plus strand). Cytogenetic location: 18q21.33.
Variant type: single nucleotide variant.
Coding change: c.730+5T>C on transcript NM_003839.4 (MANE Select); 5 bases into the intron after coding-DNA position 730, T replaced by C.
Molecular consequence: intron variant.
Genome position (GRCh38, 1-based): chr18:62,361,798, T>C. VCF-style: chr18-62361798-T-C. GRCh37 (hg19) VCF-style: chr18-60029031-T-C.
Other names: c.730+5T>C (NM_001270949.2, NM_001270950.2); c.616+1749T>C (NM_001270951.2); c.688+5T>C (NM_001278268.2).
Identifiers: ClinVar variation 2882364 (VCV002882364.3), dbSNP rs765068128, ClinGen allele CA8983842.